The following is an entry in ClinVar:

ClinVar aggregate classification (germline): Likely benign. Review status: criteria provided, multiple submitters, no conflicts (2 of 4 stars). 2 submissions from 2 submitters: Likely benign (2). Last evaluated 2018-06-19.

Allele frequency attached by ClinVar (database versions not stated): gnomAD exomes 0.00118 and 0.00323; ExAC 0.00369; gnomAD 0.01179 and 0.01254; 1000 Genomes Project 0.01278; 1000 Genomes Project 30x 0.01312; TOPMed 0.01430; ESP Exome Variant Server 0.01445.
gnomAD v4.1: 3,561 of 1,613,520 alleles (0.22%); highest among the groups gnomAD compares: African/African-American, 4%; 70 homozygotes.

Submissions (2):

GeneDx
Classification: Likely benign. Last evaluated: 2018-06-19. Review status: criteria provided, single submitter. Criteria: GeneDx Variant Classification (06012015). Collection method: clinical testing. Allele origin: germline. Affected: yes.
Comment: This variant is considered likely benign or benign based on one or more of the following criteria: it is a conservative change, it occurs at a poorly conserved position in the protein, it is predicted to be benign by multiple in silico algorithms, and/or has population frequency not consistent with disease.

Breakthrough Genomics
Classification: Likely benign. Review status: criteria provided, single submitter. Criteria: ACMG Guidelines, 2015. Collection method: not provided. Allele origin: germline. Inheritance: Autosomal recessive inheritance. Affected: yes.

NM_001130987.2(DYSF):c.4756-38G>A

Gene: DYSF (dysferlin; plus strand). Cytogenetic location: 2p13.2.
Variant type: single nucleotide variant.
Coding change: c.4756-38G>A on transcript NM_001130987.2 (MANE Select); 38 bases into the intron before coding-DNA position 4756, G replaced by A.
Molecular consequence: intron variant.
Genome position (GRCh38, 1-based): chr2:71,658,840, G>A. VCF-style: chr2-71658840-G-A. GRCh37 (hg19) VCF-style: chr2-71885970-G-A.
Other names: c.4732-38G>A (NM_001130979.2); c.4753-38G>A (NM_001130981.2); c.4690-38G>A (NM_001130980.2); c.4702-38G>A (NM_001130978.2); c.4639-38G>A (NM_003494.4); c.4660-38G>A (NM_001130977.2); c.4597-38G>A (NM_001130976.2); c.4735-38G>A (NM_001130982.2); and 5 more.
Identifiers: ClinVar variation 679526 (VCV000679526.2), dbSNP rs61404609, ClinGen allele CA1707136.